The following is an entry in ClinVar:

NM_018671.5(UNC45A):c.233A>T (p.Glu78Val)

Gene: UNC45A (unc-45 myosin chaperone A; plus strand). Cytogenetic location: 15q26.1.
Variant type: single nucleotide variant.
Coding change: c.233A>T on transcript NM_018671.5 (MANE Select); coding-DNA position 233, A replaced by T.
Protein change: p.Glu78Val; replaces glutamic acid 78 with valine.
Molecular consequence: missense variant. On other transcripts: 5 prime UTR variant (1).
Genome position (GRCh38, 1-based): chr15:90,935,965, A>T. VCF-style: chr15-90935965-A-T. GRCh37 (hg19) VCF-style: chr15-91479195-A-T.
Other names: c.188A>T, p.Glu63Val (NM_001039675.2, NM_001323621.2); c.233A>T, p.Glu78Val (NM_001323619.1); c.-351A>T (NM_001323620.2); short protein forms E63V, E78V.
Identifiers: ClinVar variation 2114607 (VCV002114607.3), dbSNP rs1182975564, ClinGen allele CA393890378.

ClinVar aggregate classification (germline): Uncertain significance (1 of 4 stars; one submission).

Allele frequency attached by ClinVar (database versions not stated): gnomAD exomes below 0.00001.
gnomAD v4.1: 2 of 1,614,088 alleles (0.00012%); highest among the groups gnomAD compares: South Asian, 0.0011%; no homozygotes.

Submission:

Labcorp Genetics (formerly Invitae), Labcorp
Classification: Uncertain significance. Last evaluated: 2022-03-19. Review status: criteria provided, single submitter. Criteria: Invitae Variant Classification Sherloc (09022015). Collection method: clinical testing. Allele origin: germline.
Comment: In summary, the available evidence is currently insufficient to determine the role of this variant in disease. Therefore, it has been classified as a Variant of Uncertain Significance. Algorithms developed to predict the effect of missense changes on protein structure and function are either unavailable or do not agree on the potential impact of this missense change (SIFT: "Not Available"; PolyPhen-2: "Benign"; Align-GVGD: "Not Available"). This sequence change replaces glutamic acid, which is acidic and polar, with valine, which is neutral and non-polar, at codon 78 of the UNC45A protein (p.Glu78Val). This variant is present in population databases (no rsID available, gnomAD 0.0009%). This variant has not been reported in the literature in individuals affected with UNC45A-related conditions.